The following is an entry in ClinVar:

ClinVar aggregate classification (germline): Uncertain significance. Review status: criteria provided, multiple submitters, no conflicts (2 of 4 stars). 2 submissions from 2 submitters: Uncertain significance (2). Last evaluated 2025-04-17.

Conditions:
Colorectal cancer, hereditary nonpolyposis, type 7. Identifiers: Orphanet 144, MedGen C1858380, MONDO:0013725, OMIM 614385.

Allele frequency attached by ClinVar (database versions not stated): gnomAD exomes 0.00001 and 0.00002; TOPMed below 0.00001; ExAC 0.00001; gnomAD 0.00001.

Submissions (2):

Ambry Genetics
Classification: Uncertain significance. Last evaluated: 2025-04-17. Review status: criteria provided, single submitter. Criteria: Ambry Variant Classification Scheme 2023. Collection method: clinical testing. Allele origin: germline.
Comment: The p.A1227V variant (also known as c.3680C>T), located in coding exon 6 of the MLH3 gene, results from a C to T substitution at nucleotide position 3680. The alanine at codon 1227 is replaced by valine, an amino acid with similar properties. This amino acid position is conserved. In addition, this alteration is predicted to be deleterious by in silico analysis. Since supporting evidence is limited at this time, the clinical significance of this alteration remains unclear.

Labcorp Genetics (formerly Invitae), Labcorp
Classification: Uncertain significance for Colorectal cancer, hereditary nonpolyposis, type 7. Last evaluated: 2023-01-12. Review status: criteria provided, single submitter. Criteria: Invitae Variant Classification Sherloc (09022015). Collection method: clinical testing. Allele origin: germline.
Comment: Algorithms developed to predict the effect of missense changes on protein structure and function are either unavailable or do not agree on the potential impact of this missense change (SIFT: "Deleterious"; PolyPhen-2: "Probably Damaging"; Align-GVGD: "Class C0"). In summary, the available evidence is currently insufficient to determine the role of this variant in disease. Therefore, it has been classified as a Variant of Uncertain Significance. ClinVar contains an entry for this variant (Variation ID: 1405725). This variant has not been reported in the literature in individuals affected with MLH3-related conditions. This variant is present in population databases (rs770275491, gnomAD 0.01%). This sequence change replaces alanine, which is neutral and non-polar, with valine, which is neutral and non-polar, at codon 1227 of the MLH3 protein (p.Ala1227Val).

NM_001040108.2(MLH3):c.3680C>T (p.Ala1227Val)

Gene: MLH3 (mutL homolog 3; minus strand). Cytogenetic location: 14q24.3.
Variant type: single nucleotide variant.
Coding change: c.3680C>T on transcript NM_001040108.2 (MANE Select); coding-DNA position 3680, C replaced by T.
Protein change: p.Ala1227Val; replaces alanine 1227 with valine.
Molecular consequence: missense variant. On other transcripts: intron variant (1).
Genome position (GRCh38, 1-based): chr14:75,033,454, G>A on the plus strand (C>T on the coding strand, the complement: MLH3 is on the minus strand). VCF-style: chr14-75033454-G-A. GRCh37 (hg19) VCF-style: chr14-75500157-G-A.
Other names: c.3644-1275C>T (NM_014381.3); c.3680C>T (NM_001040108.1); short protein forms A1227V.
Identifiers: ClinVar variation 1405725 (VCV001405725.8), dbSNP rs770275491, ClinGen allele CA7275361.